The following is an entry in ClinVar:

NM_001010909.5(MUC21):c.1005C>T (p.Ser335=)

Genes: MUC21 (mucin 21, cell surface associated; plus strand), LOC126859647 (CDK7 strongly-dependent group 2 enhancer GRCh37_chr6:30954612-30955811; plus strand). Cytogenetic location: 6p21.33.
Variant type: single nucleotide variant.
Coding change: c.1005C>T on transcript NM_001010909.5 (MANE Select); coding-DNA position 1005, C replaced by T.
Protein change: p.Ser335=; no amino-acid change (serine 335 retained).
Molecular consequence: synonymous variant. On other transcripts: non-coding transcript variant (1).
Genome position (GRCh38, 1-based): chr6:30,987,180, C>T. VCF-style: chr6-30987180-C-T. GRCh37 (hg19) VCF-style: chr6-30954957-C-T.
Other names: c.1095C>T, p.Ser365= (NM_001322370.2, NM_001322371.2).
Identifiers: ClinVar variation 2656367 (VCV002656367.24), dbSNP rs779599163, ClinGen allele CA3707379.
Genomic context (GRCh38, chr6:30,987,180, plus strand): 5'-CACCAACTCTGACTCCAGCACAACCTCCAGTGGGGCCAGCACAGCCACCAACTCTGAGTC[C>T]AGCACGACCTCCAGTGGGGCCAGCACAGCCACCAACTCTGAGTCCAGCACAACCTCCAGT-3'
Protein context (NP_001010909.2, residues 325-345): SGASTATNSE[Ser335=]STTSSGASTA

ClinVar aggregate classification (germline): Likely benign (1 of 4 stars; one submission).

Allele frequency attached by ClinVar (database versions not stated): gnomAD 0.00001.
gnomAD v4.1: 3 of 1,601,710 alleles (0.00019%); highest among the groups gnomAD compares: African/African-American, 0.0014%; no homozygotes.

Submission:

CeGaT Center for Human Genetics Tuebingen
Classification: Likely benign. Last evaluated: 2024-05-01. Review status: criteria provided, single submitter. Criteria: CeGaT Center For Human Genetics Tuebingen Variant Classification Criteria Version 2. Collection method: clinical testing. Allele origin: germline. Affected: yes. Observed: 2 variant alleles.
Comment: MUC21: BP4, BP7